The following is an entry in ClinVar:

ClinVar aggregate classification (germline): Conflicting classifications of pathogenicity. Review status: criteria provided, conflicting classifications (1 of 4 stars). 3 submissions from 3 submitters: Uncertain significance (2); Likely benign (1). Last evaluated 2026-07-26.

Conditions:
BTD-related disorder. Also called: BTD-related condition.
Biotinidase deficiency. Also called: BTD deficiency; Late-onset biotin-responsive multiple carboxylase deficiency; Biotin deficiency. Identifiers: Orphanet 79241, MedGen C0220754, MONDO:0009665, OMIM 253260.

Allele frequency attached by ClinVar (database versions not stated): TOPMed 0.00008; gnomAD exomes 0.00012 and 0.00056; ExAC 0.00017; gnomAD 0.00019 and 0.00005; 1000 Genomes Project 30x 0.00109; 1000 Genomes Project 0.00140.
gnomAD v4.1: 829 of 1,614,164 alleles (0.051%); highest among the groups gnomAD compares: East Asian, 1.8%; 15 homozygotes.

Submissions (3):

PreventionGenetics, part of Exact Sciences
Classification: Likely benign for BTD-related condition. Last evaluated: 2026-07-26. Review status: criteria provided, single submitter. Criteria: ACMG Guidelines, 2015. Collection method: clinical testing. Allele origin: germline.
Comment: This variant is classified as likely benign based on ACMG/AMP sequence variant interpretation guidelines (Richards et al. 2015 PMID: 25741868, with internal and published modifications).

Labcorp Genetics (formerly Invitae), Labcorp
Classification: Uncertain significance for Biotinidase deficiency. Last evaluated: 2021-11-02. Review status: criteria provided, single submitter. Criteria: Invitae Variant Classification Sherloc (09022015). Collection method: clinical testing. Allele origin: germline.
Comment: This sequence change replaces histidine, which is basic and polar, with tyrosine, which is neutral and polar, at codon 303 of the BTD protein (p.His303Tyr). This variant is present in population databases (rs144084212, gnomAD 0.2%). This variant has not been reported in the literature in individuals affected with BTD-related conditions. ClinVar contains an entry for this variant (Variation ID: 343908). Algorithms developed to predict the effect of missense changes on protein structure and function (SIFT, PolyPhen-2, Align-GVGD) all suggest that this variant is likely to be tolerated. In summary, the available evidence is currently insufficient to determine the role of this variant in disease. Therefore, it has been classified as a Variant of Uncertain Significance.

Blueprint Genetics
Classification: Uncertain significance. Last evaluated: 2021-06-30. Review status: criteria provided, single submitter. Criteria: ACMG Guidelines, 2015. Collection method: clinical testing. Allele origin: germline.

NM_001370658.1(BTD):c.847C>T (p.His283Tyr)

Gene: BTD (biotinidase; plus strand). Cytogenetic location: 3p25.1.
Variant type: single nucleotide variant.
Coding change: c.847C>T on transcript NM_001370658.1 (MANE Select); coding-DNA position 847, C replaced by T.
Protein change: p.His283Tyr; replaces histidine 283 with tyrosine.
Molecular consequence: missense variant. On other transcripts: intron variant (1).
Genome position (GRCh38, 1-based): chr3:15,644,763, C>T. VCF-style: chr3-15644763-C-T. GRCh37 (hg19) VCF-style: chr3-15686270-C-T.
Other names: c.907C>T, p.His303Tyr (NM_000060.4); c.847C>T, p.His283Tyr (NM_001281723.4, NM_001281724.3, NM_001281725.3 and 18 more transcripts); c.399+2706C>T (NM_001370753.1); short protein forms H283Y.
Identifiers: ClinVar variation 343908 (VCV000343908.16), dbSNP rs144084212, ClinGen allele CA2277394.